The following is an entry in ClinVar:

NM_001042750.2(STAG2):c.1836A>G (p.Leu612=)

Gene: STAG2 (STAG2 cohesin complex component; plus strand). Cytogenetic location: Xq25.
Variant type: single nucleotide variant.
Coding change: c.1836A>G on transcript NM_001042750.2 (MANE Select); coding-DNA position 1836, A replaced by G.
Protein change: p.Leu612=; no amino-acid change (leucine 612 retained).
Molecular consequence: synonymous variant.
Genome position (GRCh38, 1-based): chrX:124,063,862, A>G. VCF-style: chrX-124063862-A-G. GRCh37 (hg19) VCF-style: chrX-123197712-A-G.
Other names: c.1836A>G, p.Leu612= (NM_001042749.2, NM_001042751.2, NM_001282418.2 and 13 more transcripts).
Identifiers: ClinVar variation 3235730 (VCV003235730.1), dbSNP rs2148325535, ClinGen allele CA518174263.
Genomic context (GRCh38, chrX:124,063,862, plus strand): 5'-TATCATATATGCCTTAGTTTTGATGAAAAATATTATTATTTTGCAGCATTTGGATGCCTT[A>G]TTGCGACAGATCCGGAATATTGTAGAGAAGCACACAGATACAGATGTTTTGGAAGCATGT-3'
Protein context (NP_001036215.1, residues 602-622): TGRLEKHLDA[Leu612=]LRQIRNIVEK

ClinVar aggregate classification (germline): Uncertain significance (1 of 4 stars; one submission).

Submission:

Greenwood Genetic Center Diagnostic Laboratories, Greenwood Genetic Center
Classification: Uncertain significance. Last evaluated: 2024-02-09. Review status: criteria provided, single submitter. Criteria: ACMG Guidelines, 2015. Collection method: clinical testing. Allele origin: germline. Affected: yes.
Comment: PM2